The following is an entry in ClinVar:

NM_001256071.3(RNF213):c.11986_11989delinsGGGTTAG (p.Pro3996_Cys3997delinsGlyLeuGly)

Genes: RNF213 (ring finger protein 213; plus strand), RNF213-AS1 (RNF213 antisense RNA 1; minus strand). Cytogenetic location: 17q25.3.
Variant type: Indel.
Coding change: c.11986_11989delinsGGGTTAG on transcript NM_001256071.3 (MANE Select); coding-DNA positions 11986 to 11989, CCGT replaced by GGGTTAG.
Protein change: p.Pro3996_Cys3997delinsGlyLeuGly.
Molecular consequence: inframe indel.
Genome position (GRCh38, 1-based): chr17:80,367,974-80,367,977, CCGT replaced by GGGTTAG. VCF-style: chr17-80367974-CCGT-GGGTTAG. GRCh37 (hg19) VCF-style: chr17-78341774-CCGT-GGGTTAG.
Other names: c.11986_11989delCCGTinsGGGTTAG (NM_001256071.1).
Identifiers: ClinVar variation 1184843 (VCV001184843.3), dbSNP rs2144460572, ClinGen allele CA2499225031.
Genomic context (GRCh38, chr17:80,367,974, plus strand): 5'-TGGCCAGTTTCTCTGCTTCAGAACTGATTGCCCTTCTTGGATTCTAGGTTTGGGATTCAG[CCGT>GGGTTAG]GCTCCATCTGCCTGGGAGATGCAAAGGACCCCGTCTGTCTGCCCTGCGACCACGTGCACT-3'

ClinVar aggregate classification (germline): Pathogenic. Review status: criteria provided, single submitter (1 of 4 stars). 2 submissions from 2 submitters: Pathogenic (1). 1 of the submissions does not count toward it. Last evaluated 2022-07-29.

Conditions:
Moyamoya disease. Also called: Moyamoya syndrome. Identifiers: Orphanet 2573, MedGen C0026654, MeSH D009072, MONDO:0016820.

Submissions (2):

GeneDx
Classification: Pathogenic. Last evaluated: 2022-07-29. Review status: criteria provided, single submitter. Criteria: GeneDx Variant Classification Process June 2021. Collection method: clinical testing. Allele origin: germline. Affected: yes.
Comment: Not observed at significant frequency in large population cohorts (gnomAD); In-frame deletion of 2 amino acids and insertion of 3 incorrect amino acids in a non-repeat region; This variant is associated with the following publications: (PMID: 33568546)

University of Washington Center for Mendelian Genomics, University of Washington
Classification: Likely pathogenic for moyamoya disease. Review status: no assertion criteria provided. Collection method: research. Allele origin: de novo. Affected: yes. Not counted in ClinVar's aggregate classification.

Literature cited by the submitters: PubMed 33568546 (cited by University of Washington Center for Mendelian Genomics, University of Washington).